The following is an entry in ClinVar:

NM_003722.5(TP63):c.*2123C>T

Gene: TP63 (tumor protein p63; plus strand). Cytogenetic location: 3q28.
Variant type: single nucleotide variant.
Coding change: c.*2123C>T on transcript NM_003722.5 (MANE Select); 2123 bases downstream of the stop codon, C replaced by T.
Molecular consequence: 3 prime UTR variant.
Genome position (GRCh38, 1-based): chr3:189,896,625, C>T. VCF-style: chr3-189896625-C-T. GRCh37 (hg19) VCF-style: chr3-189614414-C-T.
Other names: c.*2404C>T (NM_001114978.2, NM_001114981.2); c.*2123C>T (NM_001114980.2, NM_001329146.2, NM_001329148.2 and 1 more transcripts); c.*2394C>T (NM_001329144.2, NM_001329145.2, NM_001329149.2 and 1 more transcripts).
Identifiers: ClinVar variation 344423 (VCV000344423.6), dbSNP rs36064124, ClinGen allele CA10615415.

ClinVar aggregate classification (germline): Benign/Likely benign. Review status: criteria provided, single submitter (1 of 4 stars). 3 submissions from 1 submitter: Benign (2); Likely benign (1). Last evaluated 2018-01-12.

Conditions:
Ectrodactyly, ectodermal dysplasia, and cleft lip-palate syndrome 3. Also called: Ectrodactyly, Ectodermal Dysplasia, Clefting Syndrome; EEC SYNDROME 3; Ectrodactyly, Ectodermal Dysplasia, Clefting Syndrome Type 3 (EEC3); Ectrodactyly, Ectodermal Dysplasia, Cleft Lip/Palate Syndrome 3 (EEC3). Identifiers: Orphanet 1896, MedGen C1858562, MONDO:0011428, OMIM 604292.
TP63-Related Spectrum Disorders.
Orofacial cleft 8. Also called: Cleft lip with or without cleft palate, nonsyndromic, 8. Identifiers: MedGen C1851878, MONDO:0029145, OMIM 618149.

Allele frequency attached by ClinVar (database versions not stated): gnomAD 0.00159; 1000 Genomes Project 0.00160; TOPMed 0.00184; gnomAD exomes 0.00203; 1000 Genomes Project 30x 0.00219.
gnomAD v4.1: 367 of 208,754 alleles (0.18%); highest among the groups gnomAD compares: Middle Eastern, 0.47%; no homozygotes.

Submissions (3):

Illumina Laboratory Services, Illumina
Classification: Likely benign for Orofacial cleft 8. Last evaluated: 2018-01-12. Review status: criteria provided, single submitter. Criteria: ICSL Variant Classification Criteria 13 December 2019. Collection method: clinical testing. Allele origin: germline.
Comment: This variant was observed in the ICSL laboratory as part of a predisposition screen in an ostensibly healthy population. It had not been previously curated by ICSL or reported in the Human Gene Mutation Database (HGMD: prior to June 1st, 2018), and was therefore a candidate for classification through an automated scoring system. Utilizing variant allele frequency, disease prevalence and penetrance estimates, and inheritance mode, an automated score was calculated to assess if this variant is too frequent to cause the disease. Based on the score and internal cut-off values, a variant classified as likely benign is not then subjected to further curation. The score for this variant resulted in a classification of likely benign for this disease.

Illumina Laboratory Services, Illumina
Classification: Benign for Ectrodactyly, ectodermal dysplasia, and cleft lip-palate syndrome 3. Last evaluated: 2018-01-12. Review status: criteria provided, single submitter. Criteria: ICSL Variant Classification Criteria 13 December 2019. Collection method: clinical testing. Allele origin: germline.
Comment: This variant was observed in the ICSL laboratory as part of a predisposition screen in an ostensibly healthy population. It had not been previously curated by ICSL or reported in the Human Gene Mutation Database (HGMD: prior to June 1st, 2018), and was therefore a candidate for classification through an automated scoring system. Utilizing variant allele frequency, disease prevalence and penetrance estimates, and inheritance mode, an automated score was calculated to assess if this variant is too frequent to cause the disease. Based on the score and internal cut-off values, a variant classified as benign is not then subjected to further curation. The score for this variant resulted in a classification of benign for this disease.

Illumina Laboratory Services, Illumina
Classification: Benign for TP63-Related Spectrum Disorders. Last evaluated: 2018-01-12. Review status: criteria provided, single submitter. Criteria: ICSL Variant Classification Criteria 13 December 2019. Collection method: clinical testing. Allele origin: germline.
Comment: the same text as in the submission from Illumina Laboratory Services, Illumina above.